The following is an entry in ClinVar:

ClinVar aggregate classification (germline): Uncertain significance (1 of 4 stars; one submission).

Conditions:
Familial cold autoinflammatory syndrome 2 (FCAS2). Identifiers: Orphanet 247868, MedGen C2673198, MONDO:0012724, OMIM 611762.

Submission:

ARUP Laboratories, Molecular Genetics and Genomics, ARUP Laboratories
Classification: Uncertain significance for Familial cold autoinflammatory syndrome 2. Last evaluated: 2019-02-07. Review status: criteria provided, single submitter. Criteria: ARUP Molecular Germline Variant Investigation Process. Collection method: clinical testing. Allele origin: germline.
Comment: The NLRP12 c.1894C>T; p.His632Tyr variant, to our knowledge, is not reported in the medical literature or gene specific databases. This variant is also absent from the general population databases (Exome Variant Server, Genome Aggregation Database), indicating it is not a common polymorphism. The histidine at codon 632 is not highly conserved, and computational analyses (SIFT, PolyPhen-2) predict that this variant is tolerated. However, given the lack of clinical and functional data, the significance of this variant is uncertain at this time.

NM_144687.4(NLRP12):c.1894C>T (p.His632Tyr)

Gene: NLRP12 (NLR family pyrin domain containing 12; minus strand). Cytogenetic location: 19q13.42.
Variant type: single nucleotide variant.
Coding change: c.1894C>T on transcript NM_144687.4 (MANE Select); coding-DNA position 1894, C replaced by T.
Protein change: p.His632Tyr; replaces histidine 632 with tyrosine.
Molecular consequence: missense variant.
Genome position (GRCh38, 1-based): chr19:53,809,765, G>A on the plus strand (C>T on the coding strand, the complement: NLRP12 is on the minus strand). VCF-style: chr19-53809765-G-A. GRCh37 (hg19) VCF-style: chr19-54313019-G-A.
Other names: c.1894C>T, p.His632Tyr (NM_001277126.2, NM_001277129.1); short protein forms H632Y.
Identifiers: ClinVar variation 811283 (VCV000811283.8), dbSNP rs1600706886, ClinGen allele CA407412127.